The following is an entry in ClinVar:

NM_007294.4(BRCA1):c.1881C>T (p.Val627=)

Gene: BRCA1 (BRCA1 DNA repair associated; minus strand). Cytogenetic location: 17q21.31.
Variant type: single nucleotide variant.
Coding change: c.1881C>T on transcript NM_007294.4 (MANE Select); coding-DNA position 1881, C replaced by T.
Protein change: p.Val627=; no amino-acid change (valine 627 retained).
Molecular consequence: synonymous variant. On other transcripts: intron variant (137).
Genome position (GRCh38, 1-based): chr17:43,093,650, G>A on the plus strand (C>T on the coding strand, the complement: BRCA1 is on the minus strand). VCF-style: chr17-43093650-G-A. GRCh37 (hg19) VCF-style: chr17-41245667-G-A.
Other names: c.1881C>T, p.Val627= (NM_001407594.1, NM_001407596.1, NM_001407597.1 and 30 more transcripts); c.1878C>T, p.Val626= (NM_001407610.1, NM_001407611.1, NM_001407612.1 and 22 more transcripts); c.1872C>T, p.Val624= (NM_001407646.1, NM_001407647.1); c.1758C>T, p.Val586= (NM_001407648.1, NM_001407664.1, NM_001407665.1 and 19 more transcripts); c.1755C>T, p.Val585= (NM_001407649.1, NM_001407670.1, NM_001407671.1 and 11 more transcripts); c.1803C>T, p.Val601= (NM_001407653.1, NM_001407654.1, NM_001407655.1 and 4 more transcripts); c.1800C>T, p.Val600= (NM_001407659.1, NM_001407660.1, NM_001407661.1 and 1 more transcripts); c.1740C>T, p.Val580= (NM_001407692.1, NM_001407694.1, NM_001407695.1 and 29 more transcripts); and 40 more.
Identifiers: ClinVar variation 185004 (VCV000185004.27), dbSNP rs80356838, ClinGen allele CA001224.

ClinVar aggregate classification (germline): Likely benign. Review status: reviewed by expert panel (3 of 4 stars). 10 submissions from 10 submitters: Likely benign (1). 9 of the submissions do not count toward it. Last evaluated 2017-06-29.

Conditions:
Hereditary breast ovarian cancer syndrome. Also called: Hereditary breast and ovarian cancer syndrome; Hereditary breast and ovarian cancer syndrome (HBOC); BRCA1- and BRCA2-Associated Hereditary Breast and Ovarian Cancer; Breast and ovarian cancer; Hereditary breast and ovarian cancer; Hereditary breast and/or ovarian cancer syndrome. Identifiers: Orphanet 145, MedGen C0677776, MeSH D061325, MONDO:0003582. Disease mechanism: loss of function.
Hereditary cancer-predisposing syndrome. Also called: Hereditary Cancer Syndrome; Hereditary neoplastic syndrome; Tumor predisposition; Neoplastic Syndromes, Hereditary. Identifiers: Orphanet 140162, MedGen C0027672, MeSH D009386, MONDO:0015356.
Breast-ovarian cancer, familial, susceptibility to, 1 (BROVCA1). Also called: OVARIAN CANCER, SUSCEPTIBILITY TO; BRCA1 Hereditary Breast and Ovarian Cancer. Identifiers: Orphanet 145, MedGen C2676676, MONDO:0011450, OMIM 604370. Disease mechanism: loss of function.
BRCA1-related disorder. Also called: BRCA1-related condition.

gnomAD v4.1: 25 of 1,614,030 alleles (0.0015%); highest among the groups gnomAD compares: Non-Finnish European, 0.002%; no homozygotes.

Submissions (10):

Evidence-based Network for the Interpretation of Germline Mutant Alleles (ENIGMA)
Classification: Likely benign for Breast-ovarian cancer, familial, susceptibility to, 1. Last evaluated: 2017-06-29. Review status: reviewed by expert panel. Criteria: ENIGMA BRCA1/2 Classification Criteria (2017-06-29). Collection method: curation. Allele origin: germline.
Comment: Synonymous substitution variant, with low bioinformatic likelihood to result in a splicing aberration (Splicing prior probability 0.02).

Labcorp Genetics (formerly Invitae), Labcorp
Classification: Likely benign for Hereditary breast ovarian cancer syndrome. Last evaluated: 2026-01-31. Review status: criteria provided, single submitter. Criteria: Invitae Variant Classification Sherloc (09022015). Collection method: clinical testing. Allele origin: germline. Not counted in ClinVar's aggregate classification.

Quest Diagnostics Nichols Institute San Juan Capistrano
Classification: Likely benign. Last evaluated: 2025-10-13. Review status: criteria provided, single submitter. Criteria: Quest Diagnostics criteria. Collection method: clinical testing. Allele origin: unknown. Not counted in ClinVar's aggregate classification.

Women's Health and Genetics/Laboratory Corporation of America, LabCorp
Classification: Likely benign. Last evaluated: 2025-02-10. Review status: criteria provided, single submitter. Criteria: LabCorp Variant Classification Summary - May 2015. Collection method: clinical testing. Allele origin: germline. Not counted in ClinVar's aggregate classification.

All of Us Research Program, National Institutes of Health
Classification: Likely benign for Breast-ovarian cancer, familial, susceptibility to, 1. Last evaluated: 2024-01-11. Review status: criteria provided, single submitter. Criteria: ACMG Guidelines, 2015. Collection method: clinical testing. Allele origin: germline. Inheritance: Autosomal dominant inheritance. Observed: 2 variant alleles, 2 heterozygotes. Not counted in ClinVar's aggregate classification.
Comment: This study involves interpretation of variants in research participants for the purpose of population health screening. Participant phenotype was not available at the time of variant classification. Additional details can be found in publication PMID: 35346344, PMCID: PMC8962531

Sema4
Classification: Likely benign for Hereditary cancer-predisposing syndrome. Last evaluated: 2022-03-18. Review status: criteria provided, single submitter. Criteria: Sema4 Curation Guidelines. Collection method: curation. Allele origin: germline. Not counted in ClinVar's aggregate classification.

GeneDx
Classification: Likely benign. Last evaluated: 2021-05-05. Review status: criteria provided, single submitter. Criteria: GeneDx Variant Classification Process June 2021. Collection method: clinical testing. Allele origin: germline. Affected: yes. Not counted in ClinVar's aggregate classification.

Color Diagnostics, LLC DBA Color Health
Classification: Likely benign for Hereditary cancer-predisposing syndrome. Last evaluated: 2018-04-20. Review status: criteria provided, single submitter. Criteria: ACMG Guidelines, 2015. Collection method: clinical testing. Allele origin: germline. Not counted in ClinVar's aggregate classification.

Ambry Genetics
Classification: Likely benign for Hereditary cancer-predisposing syndrome. Last evaluated: 2015-08-13. Review status: criteria provided, single submitter. Criteria: Ambry Variant Classification Scheme 2023. Collection method: clinical testing. Allele origin: germline. Not counted in ClinVar's aggregate classification.

PreventionGenetics, part of Exact Sciences
Classification: Likely benign for BRCA1-related condition. Last evaluated: 2020-12-03. Review status: no assertion criteria provided. Collection method: clinical testing. Allele origin: germline. Not counted in ClinVar's aggregate classification.
Comment: This variant is classified as likely benign based on ACMG/AMP sequence variant interpretation guidelines (Richards et al. 2015 PMID: 25741868, with internal and published modifications).